The following is an entry in ClinVar:

NM_001130987.2(DYSF):c.2125C>T (p.Gln709Ter)

Gene: DYSF (dysferlin; plus strand). Cytogenetic location: 2p13.2.
Variant type: single nucleotide variant.
Coding change: c.2125C>T on transcript NM_001130987.2 (MANE Select); coding-DNA position 2125, C replaced by T.
Protein change: p.Gln709Ter; replaces glutamine 709 with a stop codon.
Molecular consequence: nonsense.
Genome position (GRCh38, 1-based): chr2:71,555,980, C>T. VCF-style: chr2-71555980-C-T. GRCh37 (hg19) VCF-style: chr2-71783110-C-T.
Other names: NM_001130987.2(DYSF):c.2125C>T; p.Gln709Ter; c.2074C>T, p.Gln692Ter (NM_001130455.2, NM_001130983.2); c.2029C>T, p.Gln677Ter (NM_001130976.2, NM_001130977.2); c.2071C>T, p.Gln691Ter (NM_001130978.2, NM_003494.4); c.2164C>T, p.Gln722Ter (NM_001130979.2); c.2122C>T, p.Gln708Ter (NM_001130980.2, NM_001130981.2); c.2167C>T, p.Gln723Ter (NM_001130982.2); and 2 more; short protein forms Q722*, Q678*, Q691*, Q723*, Q677*, Q692*, Q708*, Q709*.
Identifiers: ClinVar variation 963357 (VCV000963357.11), dbSNP rs756258757, ClinGen allele CA49797983.

ClinVar aggregate classification (germline): Pathogenic. Review status: reviewed by expert panel (3 of 4 stars). 5 submissions from 5 submitters: Pathogenic (1). 4 of the submissions do not count toward it. Last evaluated 2025-10-29.

Conditions:
Distal myopathy with anterior tibial onset. Identifiers: Orphanet 178400, MedGen C1847532, MONDO:0011721, OMIM 606768.
Miyoshi muscular dystrophy 1 (MMD1). Identifiers: Orphanet 45448, MedGen C4551973, MONDO:0024545, OMIM 254130.
Autosomal recessive limb-girdle muscular dystrophy type 2B (LGMDR2). Also called: Limb-girdle muscular dystrophy, type 2B; MUSCULAR DYSTROPHY, LIMB-GIRDLE, AUTOSOMAL RECESSIVE 2; MUSCULAR DYSTROPHY, LIMB-GIRDLE, TYPE 3; Limb-Girdle Muscular Dystrophy Type 2B (LGMD2B). Identifiers: Orphanet 268, MedGen C1850889, MONDO:0009676, OMIM 253601.
Autosomal recessive limb-girdle muscular dystrophy. Identifiers: Orphanet 102015, MedGen C2931907, MONDO:0015152.
Neuromuscular disease caused by qualitative or quantitative defects of dysferlin. Also called: Qualitative or quantitative defects of dysferlin; Dysferlinopathy. Identifiers: Orphanet 207073, MedGen C2931687, MONDO:0016145.

Allele frequency attached by ClinVar (database versions not stated): gnomAD 0.00001; gnomAD exomes 0.00001.
gnomAD v4.1: 10 of 1,563,558 alleles (0.00064%); highest among the groups gnomAD compares: Non-Finnish European, 0.00087%; no homozygotes.

Submissions (5):

ClinGen Limb Girdle Muscular Dystrophy Variant Curation Expert Panel, ClinGen
Classification: Pathogenic for Autosomal recessive limb-girdle muscular dystrophy. Last evaluated: 2025-10-29. Review status: reviewed by expert panel. Criteria: ClinGen LGMD VCEP ACMG Specifications DYSF V2.0.0. Collection method: curation. Allele origin: germline. Inheritance: Autosomal recessive inheritance.
Comment: The NM_003494.4: c.2071C>T p.(Gln691Ter) variant in DYSF, which is also known as NM_001130987.2: c.2125C>T p.(Gln709Ter), is a nonsense variant predicted to cause a premature stop codon in biologically relevant exon 22/55, leading to nonsense mediated decay in a gene in which loss of function is an established disease mechanism (PVS1). This variant has been identified in two individuals with LGMD (PMID: 33610434, 36983702), including confirmed in trans in one individual with a pathogenic variant (NM_003494.4: c.3113G>A p.(Arg1038Gln), 1 pt, PMID: 36983702) (PM3). Both individuals had absent dysferlin protein expression, which is highly specific for DYSF-related LGMD, and one individual also displayed progressive muscle weakness (PP4_Strong). The upper bound of the 95% confidence interval of the Grpmax variant allele frequency in gnomAD v4.1.0 is 0.000014703 (10/1153648 European (non-Finnish) alleles), which is less than the ClinGen LGMD VCEP threshold (≤0.0001) (PM2_Supporting). In summary, this variant meets the criteria to be classified as Pathogenic for autosomal recessive limb-girdle muscular dystrophy based on the ACMG/AMP criteria applied, as specified by the ClinGen LGMD VCEP (LGMD VCEP specifications version 2.0.0; 10/29/2025): PVS1, PP4_Strong, PM3, PM2_Supporting.

Victorian Clinical Genetics Services, Murdoch Childrens Research Institute
Classification: Pathogenic for Autosomal recessive limb-girdle muscular dystrophy. Last evaluated: 2025-03-06. Review status: criteria provided, single submitter. Criteria: ACMG Guidelines, 2015. Collection method: clinical testing. Allele origin: germline. Affected: yes. Not counted in ClinVar's aggregate classification.
Comment: This variant is classified as Pathogenic. Evidence in support of pathogenic classification: Variant is predicted to cause nonsense-mediated decay (NMD) and loss of protein (premature termination codon is located at least 54 nucleotides upstream of the final exon-exon junction); Variant is present in gnomAD <0.01 for a recessive condition (v4: 10 heterozygote(s), 0 homozygote(s)); This variant has moderate previous evidence of pathogenicity in unrelated individuals. This variant has been classified as pathogenic by clinical laboratories in ClinVar; Other NMD-predicted variants comparable to the one identified in this case have very strong previous evidence for pathogenicity (DECIPHER). Additional information: This variant is heterozygous; This gene is associated with autosomal recessive disease; Loss of function is a known mechanism of disease in this gene and is associated with autosomal recessive limb girdle muscular dystrophy (MONDO:0015152), DYSF-related; Variants in this gene are known to have variable expressivity (OMIM); Inheritance information for this variant is not currently available in this individual.

Labcorp Genetics (formerly Invitae), Labcorp
Classification: Pathogenic for Neuromuscular disease caused by qualitative or quantitative defects of dysferlin. Last evaluated: 2024-02-29. Review status: criteria provided, single submitter. Criteria: Invitae Variant Classification Sherloc (09022015). Collection method: clinical testing. Allele origin: germline. Not counted in ClinVar's aggregate classification.
Comment: This sequence change creates a premature translational stop signal (p.Gln691*) in the DYSF gene. It is expected to result in an absent or disrupted protein product. Loss-of-function variants in DYSF are known to be pathogenic (PMID: 17698709, 20301480). This variant is not present in population databases (gnomAD no frequency). This variant has not been reported in the literature in individuals affected with DYSF-related conditions. ClinVar contains an entry for this variant (Variation ID: 963357). For these reasons, this variant has been classified as Pathogenic.

Fulgent Genetics
Classification: Pathogenic for Autosomal recessive limb-girdle muscular dystrophy type 2B; Miyoshi muscular dystrophy 1; Distal myopathy with anterior tibial onset. Last evaluated: 2024-02-22. Review status: criteria provided, single submitter. Criteria: ACMG Guidelines, 2015. Collection method: clinical testing. Allele origin: germline. Not counted in ClinVar's aggregate classification.

Baylor Genetics
Classification: Pathogenic for Miyoshi muscular dystrophy 1. Last evaluated: 2023-06-26. Review status: criteria provided, single submitter. Criteria: ACMG Guidelines, 2015. Collection method: clinical testing. Allele origin: unknown. Not counted in ClinVar's aggregate classification.

Literature cited by the submitters: PubMed 17698709 (cited by Labcorp Genetics (formerly Invitae), Labcorp); PubMed 20301480 (cited by Labcorp Genetics (formerly Invitae), Labcorp).